The following is an entry in ClinVar:

ClinVar aggregate classification (germline): Conflicting classifications of pathogenicity. Review status: criteria provided, conflicting classifications (1 of 4 stars). 3 submissions from 3 submitters: Uncertain significance (2); Likely benign (1). Last evaluated 2026-01-01.

Conditions:
Hereditary sensory neuropathy-deafness-dementia syndrome. Also called: Hereditary sensory neuropathy type IE; NEUROPATHY, HEREDITARY SENSORY, WITH HEARING LOSS AND DEMENTIA; HSN IE; Hereditary Sensory and Autonomic Neuropathy Type 1E (HSAN1E). Identifiers: Orphanet 456318, MedGen C3279885, MONDO:0013584, OMIM 614116.
Autosomal dominant cerebellar ataxia, deafness and narcolepsy. Also called: Autosomal Dominant Cerebellar Ataxia, Deafness, and Narcolepsy (ADCA-DN). Identifiers: Orphanet 314404, MedGen C4302668, MONDO:0011397, OMIM 604121.

Allele frequency attached by ClinVar (database versions not stated): ExAC 0.00004; gnomAD 0.00004; gnomAD exomes 0.00004; TOPMed 0.00005.
gnomAD v4.1: 62 of 1,613,860 alleles (0.0038%); highest among the groups gnomAD compares: East Asian, 0.0089%; no homozygotes.

Submissions (3):

CeGaT Center for Human Genetics Tuebingen
Classification: Likely benign. Last evaluated: 2026-01-01. Review status: criteria provided, single submitter. Criteria: CeGaT Center For Human Genetics Tuebingen Variant Classification Criteria Version 2. Collection method: clinical testing. Allele origin: germline. Affected: yes. Observed: 1 variant allele.
Comment: DNMT1: BP4

Labcorp Genetics (formerly Invitae), Labcorp
Classification: Uncertain significance for Hereditary sensory neuropathy-deafness-dementia syndrome. Last evaluated: 2025-12-22. Review status: criteria provided, single submitter. Criteria: Invitae Variant Classification Sherloc (09022015). Collection method: clinical testing. Allele origin: germline.
Comment: This sequence change replaces lysine, which is basic and polar, with glutamine, which is neutral and polar, at codon 301 of the DNMT1 protein (p.Lys301Gln). This variant is present in population databases (rs751183319, gnomAD 0.02%). This variant has not been reported in the literature in individuals affected with DNMT1-related conditions. ClinVar contains an entry for this variant (Variation ID: 859966). An algorithm developed to predict the effect of missense changes on protein structure and function outputs the following: PolyPhen-2: "Benign". The glutamine amino acid residue is found in multiple mammalian species, which suggests that this missense change does not adversely affect protein function. In summary, the available evidence is currently insufficient to determine the role of this variant in disease. Therefore, it has been classified as a Variant of Uncertain Significance.

Fulgent Genetics
Classification: Uncertain significance for Autosomal dominant cerebellar ataxia, deafness and narcolepsy; Hereditary sensory neuropathy-deafness-dementia syndrome. Last evaluated: 2024-03-15. Review status: criteria provided, single submitter. Criteria: ACMG Guidelines, 2015. Collection method: clinical testing. Allele origin: germline.

NM_001130823.3(DNMT1):c.901A>C (p.Lys301Gln)

Gene: DNMT1 (DNA methyltransferase 1; minus strand). Cytogenetic location: 19p13.2.
Variant type: single nucleotide variant.
Coding change: c.901A>C on transcript NM_001130823.3 (MANE Select); coding-DNA position 901, A replaced by C.
Protein change: p.Lys301Gln; replaces lysine 301 with glutamine.
Molecular consequence: missense variant.
Genome position (GRCh38, 1-based): chr19:10,163,351, T>G on the plus strand (A>C on the coding strand, the complement: DNMT1 is on the minus strand). VCF-style: chr19-10163351-T-G. GRCh37 (hg19) VCF-style: chr19-10274027-T-G.
Other names: c.853A>C, p.Lys285Gln (NM_001318730.2, NM_001379.4); c.538A>C, p.Lys180Gln (NM_001318731.2); short protein forms K301Q, K180Q, K285Q.
Identifiers: ClinVar variation 859966 (VCV000859966.14), dbSNP rs751183319, ClinGen allele CA9188533.
Genomic context (GRCh38, chr19:10,163,351, plus strand): 5'-GATGACACAAAAGCACAAGCATTTTAAACACTTACAGATCTTTGGGTTGACTTCTGTGCT[T>G]CTTCTCATCCTGACAGAAAAATAAGGGGGAGGTAGAGAGATAAAGAAGGGAAAAAATTAG-3'
Protein context (NP_001124295.1, residues 291-311): DEDGDEKDEK[Lys301Gln]HRSQPKDLAA